The following is an entry in ClinVar:

NM_182961.4(SYNE1):c.14707G>T (p.Val4903Leu)

Gene: SYNE1 (spectrin repeat containing nuclear envelope protein 1; minus strand). Cytogenetic location: 6q25.2.
Variant type: single nucleotide variant.
Coding change: c.14707G>T on transcript NM_182961.4 (MANE Select); coding-DNA position 14707, G replaced by T.
Protein change: p.Val4903Leu; replaces valine 4903 with leucine.
Molecular consequence: missense variant.
Genome position (GRCh38, 1-based): chr6:152,329,978, C>A on the plus strand (G>T on the coding strand, the complement: SYNE1 is on the minus strand). VCF-style: chr6-152329978-C-A. GRCh37 (hg19) VCF-style: chr6-152651113-C-A.
Other names: c.14494G>T, p.Val4832Leu (NM_033071.5); short protein forms V4832L, V4903L.
Identifiers: ClinVar variation 1305088 (VCV001305088.2), dbSNP rs1348094255, ClinGen allele CA366096742.
Genomic context (GRCh38, chr6:152,329,978, plus strand): 5'-CCTCTTGGATGTCCTGCAGGTTGAGGTCTAGGTACACCGGCCCACTGAGCTCTGCCTTCA[C>A]TCTCCTCAGCCAGTCCAGGGAGCGACTCATCTCAGTCTGGAAGTCTATACTCTGCACCAT-3'
Protein context (NP_892006.3, residues 4893-4913): MSRSLDWLRR[Val4903Leu]KAELSGPVYL

ClinVar aggregate classification (germline): Uncertain significance (1 of 4 stars; one submission).

Allele frequency attached by ClinVar (database versions not stated): gnomAD exomes below 0.00001.
gnomAD v4.1: 4 of 1,614,210 alleles (0.00025%); highest among the groups gnomAD compares: South Asian, 0.0033%; no homozygotes.

Submission:

GeneDx
Classification: Uncertain significance. Last evaluated: 2019-04-09. Review status: criteria provided, single submitter. Criteria: GeneDx Variant Classification Process June 2021. Collection method: clinical testing. Allele origin: germline. Affected: yes.
Comment: Has not been previously published as pathogenic or benign to our knowledge; Not observed at a significant frequency in large population cohorts (Lek et al., 2016); In silico analysis, which includes protein predictors and evolutionary conservation, supports that this variant does not alter protein structure/function